The following is an entry in ClinVar:

NM_001270891.2(TRAPPC6A):c.2T>A (p.Met1Lys)

Gene: TRAPPC6A (trafficking protein particle complex subunit 6A; minus strand). Cytogenetic location: 19q13.32.
Variant type: single nucleotide variant.
Coding change: c.2T>A on transcript NM_001270891.2 (MANE Select); coding-DNA position 2, T replaced by A.
Protein change: p.Met1Lys; changes the start codon (methionine 1).
Molecular consequence: missense variant, initiator codon variant.
Genome position (GRCh38, 1-based): chr19:45,178,217, A>T on the plus strand (T>A on the coding strand, the complement: TRAPPC6A is on the minus strand). VCF-style: chr19-45178217-A-T. GRCh37 (hg19) VCF-style: chr19-45681475-A-T.
Other names: c.2T>A, p.Met1Lys (NM_001270892.2, NM_001270893.2, NM_024108.3); short protein forms M1K.
Identifiers: ClinVar variation 4681181 (VCV004681181.1).

ClinVar aggregate classification (germline): Uncertain significance (1 of 4 stars; one submission).

Conditions:
Neurodevelopmental disorder. Identifiers: MedGen C1535926, MeSH D065886, MONDO:0700092.

Submission:

Laboratory of Human Genetics, Universidade de São Paulo
Classification: Uncertain significance for Neurodevelopmental disorder. Last evaluated: 2025-12-18. Review status: criteria provided, single submitter. Criteria: ACMG Guidelines, 2015. Collection method: research. Allele origin: biparental. Affected: yes.
Comment: Classified as a variant of uncertain significance according to ACMG/AMP guidelines (PM2, PP3). TRAPPC6A has been proposed as a candidate gene for neurodevelopmental disorders (PMID: 29335407).

Exome sequencing performed using the SureSelect Human All Exon V6 kit (Agilent). The father was not tested.